The following is an entry in ClinVar:

ClinVar aggregate classification (germline): Likely benign. Review status: criteria provided, multiple submitters, no conflicts (2 of 4 stars). 5 submissions from 5 submitters: Likely benign (3). 2 of the submissions do not count toward it. Last evaluated 2025-10-01.

Conditions:
TET2-related disorder. Also called: TET2-related condition.

Allele frequency attached by ClinVar (database versions not stated): gnomAD exomes 0.00003; ExAC 0.00005; gnomAD 0.00005; TOPMed 0.00007.
gnomAD v4.1: 65 of 1,613,568 alleles (0.004%); highest among the groups gnomAD compares: Admixed American, 0.012%; 1 homozygote.

Submissions (5):

Labcorp Genetics (formerly Invitae), Labcorp
Classification: Likely benign. Last evaluated: 2025-10-01. Review status: criteria provided, single submitter. Criteria: Invitae Variant Classification Sherloc (09022015). Collection method: clinical testing. Allele origin: germline.

CeGaT Center for Human Genetics Tuebingen
Classification: Likely benign. Last evaluated: 2025-09-01. Review status: criteria provided, single submitter. Criteria: CeGaT Center For Human Genetics Tuebingen Variant Classification Criteria Version 2. Collection method: clinical testing. Allele origin: germline. Affected: yes. Observed: 1 variant allele.
Comment: TET2: BP4

Ambry Genetics
Classification: Likely benign. Last evaluated: 2024-11-18. Review status: criteria provided, single submitter. Criteria: Ambry Variant Classification Scheme 2023. Collection method: clinical testing. Allele origin: germline.

Genetic Services Laboratory, University of Chicago
Classification: Likely benign. Last evaluated: 2022-09-23. Review status: no assertion criteria provided. Collection method: clinical testing. Allele origin: germline. Affected: no. Not counted in ClinVar's aggregate classification.

PreventionGenetics, part of Exact Sciences
Classification: Likely benign for TET2-related condition. Last evaluated: 2019-03-26. Review status: no assertion criteria provided. Collection method: clinical testing. Allele origin: germline. Not counted in ClinVar's aggregate classification.
Comment: This variant is classified as likely benign based on ACMG/AMP sequence variant interpretation guidelines (Richards et al. 2015 PMID: 25741868, with internal and published modifications).

NM_001127208.3(TET2):c.1386T>C (p.Ser462=)

Genes: TET2 (tet methylcytosine dioxygenase 2; plus strand), TET2-AS1 (TET2 antisense RNA 1; minus strand). Cytogenetic location: 4q24.
Variant type: single nucleotide variant.
Coding change: c.1386T>C on transcript NM_001127208.3 (MANE Select); coding-DNA position 1386, T replaced by C.
Protein change: p.Ser462=; no amino-acid change (serine 462 retained).
Molecular consequence: synonymous variant.
Genome position (GRCh38, 1-based): chr4:105,235,328, T>C. VCF-style: chr4-105235328-T-C. GRCh37 (hg19) VCF-style: chr4-106156485-T-C.
Other names: c.1386T>C, p.Ser462= (NM_017628.4).
Identifiers: ClinVar variation 2443279 (VCV002443279.14), dbSNP rs747244398, ClinGen allele CA3031670.